The following is an entry in ClinVar:

NM_002529.4(NTRK1):c.1806-120C>T

Gene: NTRK1 (neurotrophic receptor tyrosine kinase 1; plus strand). Cytogenetic location: 1q23.1.
Variant type: single nucleotide variant.
Coding change: c.1806-120C>T on transcript NM_002529.4 (MANE Select); 120 bases into the intron before coding-DNA position 1806, C replaced by T.
Molecular consequence: intron variant.
Genome position (GRCh38, 1-based): chr1:156,879,002, C>T. VCF-style: chr1-156879002-C-T. GRCh37 (hg19) VCF-style: chr1-156848794-C-T.
Other names: c.1698-120C>T (NM_001007792.1); c.1788-120C>T (NM_001012331.2).
Identifiers: ClinVar variation 667763 (VCV000667763.1), dbSNP rs2768756, ClinGen allele CA10988916.
Genomic context (GRCh38, chr1:156,879,002, plus strand): 5'-ACACCTGTTCCGCTCCTCCATCCCACCCCTCTGGACAGCTGCCTCTACTGTTCTCTCAAT[C>T]CTCCACTTCCAGGTCCCCAGTCTCCTCTCCCATCACACGCGGCTGCTGGGGATCGCCTTC-3'

ClinVar aggregate classification (germline): Benign (1 of 4 stars; one submission).

Allele frequency attached by ClinVar (database versions not stated): 1000 Genomes Project 0.31929; 1000 Genomes Project 30x 0.32011; TOPMed 0.49847; gnomAD 0.51946 and 0.52682.
gnomAD v4.1: 753,370 of 1,181,146 alleles (64%); highest among the groups gnomAD compares: Non-Finnish European, 72%; 261,817 homozygotes.

Submission:

GeneDx
Classification: Benign. Last evaluated: 2018-06-14. Review status: criteria provided, single submitter. Criteria: GeneDx Variant Classification (06012015). Collection method: clinical testing. Allele origin: germline. Affected: yes.
Comment: This variant is considered likely benign or benign based on one or more of the following criteria: it is a conservative change, it occurs at a poorly conserved position in the protein, it is predicted to be benign by multiple in silico algorithms, and/or has population frequency not consistent with disease.